The following is an entry in ClinVar:

NM_000384.3(APOB):c.2373C>A (p.Asp791Glu)

Gene: APOB (apolipoprotein B; minus strand). Cytogenetic location: 2p24.1.
Variant type: single nucleotide variant.
Coding change: c.2373C>A on transcript NM_000384.3 (MANE Select); coding-DNA position 2373, C replaced by A.
Protein change: p.Asp791Glu; replaces aspartic acid 791 with glutamic acid.
Molecular consequence: missense variant.
Genome position (GRCh38, 1-based): chr2:21,024,996, G>T on the plus strand (C>A on the coding strand, the complement: APOB is on the minus strand). VCF-style: chr2-21024996-G-T. GRCh37 (hg19) VCF-style: chr2-21247868-G-T.
Other names: short protein forms D791E.
Identifiers: ClinVar variation 4686382 (VCV004686382.1).

ClinVar aggregate classification (germline): Uncertain significance (1 of 4 stars; one submission).

Submission:

GeneDx
Classification: Uncertain significance. Last evaluated: 2025-07-13. Review status: criteria provided, single submitter. Criteria: GeneDx Variant Classification Process June 2021. Collection method: clinical testing. Allele origin: germline. Affected: yes.
Comment: Not observed at significant frequency in large population cohorts (gnomAD); In silico analysis supports that this missense variant has a deleterious effect on protein structure/function; Has not been previously published as pathogenic or benign to our knowledge